The following is an entry in ClinVar:

NC_000005.10:g.(?_112707312)_(112844136_?)del

Genes: APC (APC regulator of Wnt signaling pathway; plus strand), LOC129994371 (ATAC-STARR-seq lymphoblastoid active region 22910; plus strand). Cytogenetic location: 5q22.2.
Variant type: Deletion.
Identifiers: ClinVar variation 656814 (VCV000656814.7).

ClinVar aggregate classification (germline): Pathogenic. Review status: criteria provided, single submitter (1 of 4 stars). 2 submissions from 1 submitter: Pathogenic (1). 1 of the submissions does not count toward it. Last evaluated 2023-05-15.

Conditions:
Familial adenomatous polyposis 1 (FAP1). Also called: FAMILIAL ADENOMATOUS POLYPOSIS 1, ATTENUATED; POLYPOSIS, ADENOMATOUS INTESTINAL. Identifiers: MedGen C2713442, MONDO:0021056, OMIM 175100. Disease mechanism: loss of function.

Submissions (2):

Labcorp Genetics (formerly Invitae), Labcorp
Classification: Pathogenic for Familial adenomatous polyposis 1. Last evaluated: 2023-05-15. Review status: criteria provided, single submitter. Criteria: Invitae Variant Classification Sherloc (09022015). Collection method: clinical testing. Allele origin: germline.
Comment: For these reasons, this variant has been classified as Pathogenic. A similar copy number variant has been observed in individual(s) with familial adenomatous polyposis (PMID: 18487285, 19279422, 21643010). A gross deletion of the genomic region encompassing the full coding sequence of the APC gene has been identified. Loss-of-function variants in APC are known to be pathogenic (PMID: 17963004, 20685668). The boundaries of this event are unknown as they extend beyond the assayed region for this gene and therefore may encompass additional genes.

Labcorp Genetics (formerly Invitae), Labcorp
Classification: Pathogenic for Familial adenomatous polyposis 1. Last evaluated: 2019-12-02. Review status: flagged submission. Criteria: Invitae Variant Classification Sherloc (09022015). Collection method: clinical testing. Allele origin: germline. Not counted in ClinVar's aggregate classification.
Comment: A gross deletion of the genomic region encompassing the full coding sequence of the APC gene has been identified. The boundaries of this event are unknown as the deletion extends beyond the assayed region for this gene and therefore may encompass additional genes. Deletions encompassing the entire APC gene have been reported in the literature in individuals with familial adenomatous polyposis (PMID: 21643010, 18487285, 19279422). Loss-of-function variants in APC are known to be pathogenic (PMID: 17963004, 20685668). For these reasons, this variant has been classified as Pathogenic.
ClinVar note: Reason: This record appears to be redundant with a more recent record from the same submitter.
ClinVar note: Notes: SCV000953682 appears to be redundant with SCV002240255.

Literature cited by the submitters: PubMed 18487285; PubMed 19279422; PubMed 21643010; PubMed 17963004; PubMed 20685668.